The following continues an entry in ClinVar:

NM_000059.4(BRCA2):c.9730G>A (p.Val3244Ile)

Gene: BRCA2. ClinVar aggregate classification (germline): Benign. Benign (1).

Submissions 18 to 38 of 38:

Cancer Genetics and Genomics Laboratory, British Columbia Cancer Agency
Classification: Benign. Last evaluated: 2017-04-18. Review status: criteria provided, single submitter. Criteria: ACMG Guidelines, 2015. Collection method: clinical testing. Allele origin: germline. Study: The Canadian Open Genetics Repository (COGR). Not counted in ClinVar's aggregate classification.

PreventionGenetics, part of Exact Sciences
Classification: Benign. Last evaluated: 2017-04-13. Review status: criteria provided, single submitter. Criteria: ACMG Guidelines, 2015. Collection method: clinical testing. Allele origin: germline. Not counted in ClinVar's aggregate classification.

Baylor Genetics
Classification: Benign for Familial cancer of breast. Last evaluated: 2017-02-23. Review status: criteria provided, single submitter. Criteria: ACMG Guidelines, 2015. Collection method: clinical testing. Allele origin: germline. Inheritance: Autosomal dominant inheritance. Affected: no. Not counted in ClinVar's aggregate classification.

Molecular Genetics Laboratory, University of Michigan
Classification: Benign for Breast-ovarian cancer, familial, susceptibility to, 2. Last evaluated: 2016-04-21. Review status: criteria provided, single submitter. Criteria: ACMG Guidelines, 2015. Collection method: clinical testing. Allele origin: germline. Affected: yes. Not counted in ClinVar's aggregate classification.

CHEO Genetics Diagnostic Laboratory, Children's Hospital of Eastern Ontario
Classification: Benign for Breast and/or ovarian cancer. Last evaluated: 2015-12-10. Review status: criteria provided, single submitter. Criteria: ACMG Guidelines, 2015. Collection method: clinical testing. Allele origin: germline. Study: Canadian Open Genetics Repository. Not counted in ClinVar's aggregate classification.

Clinical Genetics DNA and cytogenetics Diagnostics Lab, Erasmus MC, Erasmus Medical Center
Classification: Benign for Breast-ovarian cancer, familial, susceptibility to, 2. Last evaluated: 2015-09-21. Review status: criteria provided, single submitter. Criteria: ACGS Guidelines, 2013. Collection method: clinical testing. Allele origin: germline. Affected: yes. Study: VKGL Data-share Consensus. Not counted in ClinVar's aggregate classification.

Eurofins Ntd Llc (ga)
Classification: Benign. Last evaluated: 2015-04-29. Review status: criteria provided, single submitter. Criteria: EGL Classification Definitions 2015. Collection method: clinical testing. Allele origin: germline. Observed: 5 variant alleles, 5 heterozygotes. Not counted in ClinVar's aggregate classification.

Genomic Diagnostic Laboratory, Division of Genomic Diagnostics, Children's Hospital of Philadelphia
Classification: Likely benign for Hereditary Breast and Ovarian Cancer. Last evaluated: 2015-04-14. Review status: criteria provided, single submitter. Criteria: DGD Variant Analysis Guidelines. Collection method: clinical testing. Allele origin: unknown. Not counted in ClinVar's aggregate classification.

Color Diagnostics, LLC DBA Color Health
Classification: Benign for Hereditary cancer-predisposing syndrome. Last evaluated: 2015-03-05. Review status: criteria provided, single submitter. Criteria: ACMG Guidelines, 2015. Collection method: clinical testing. Allele origin: germline. Not counted in ClinVar's aggregate classification.

Ambry Genetics
Classification: Benign for Hereditary cancer-predisposing syndrome. Last evaluated: 2014-11-19. Review status: criteria provided, single submitter. Criteria: Ambry Variant Classification Scheme 2023. Collection method: clinical testing. Allele origin: germline. Not counted in ClinVar's aggregate classification.

Women's Health and Genetics/Laboratory Corporation of America, LabCorp
Classification: Benign for Hereditary breast ovarian cancer syndrome. Last evaluated: 2014-04-14. Review status: criteria provided, single submitter. Criteria: LabCorp Variant Classification Summary - May 2015. Collection method: clinical testing. Allele origin: germline. Not counted in ClinVar's aggregate classification.

Breakthrough Genomics
Classification: Benign. Review status: criteria provided, single submitter. Criteria: ACMG Guidelines, 2015. Collection method: not provided. Allele origin: germline. Inheritance: Autosomal recessive inheritance. Affected: yes. Not counted in ClinVar's aggregate classification.

Biesecker Lab/Clinical Genomics Section, National Institutes of Health
Classification: Benign for Breast-ovarian cancer, familial, susceptibility to, 2. Last evaluated: 2023-10-03. Review status: no assertion criteria provided. Collection method: research. Allele origin: germline. Inheritance: Autosomal dominant inheritance. Affected: no. Observed: 1 variant allele. Study: ClinSeq. Not counted in ClinVar's aggregate classification.
Comment: BA1 based on allele frequency in AFR of 0.0249 in gnomAD.

Mayo Clinic Laboratories, Mayo Clinic
Classification: Likely benign. Last evaluated: 2017-12-23. Review status: no assertion criteria provided. Collection method: clinical testing. Allele origin: unknown. Not counted in ClinVar's aggregate classification.

Counsyl
Classification: Benign for Breast-ovarian cancer, familial 2. Last evaluated: 2014-03-18. Review status: no assertion criteria provided. Collection method: literature only. Allele origin: unknown. Inheritance: Autosomal dominant inheritance. Not counted in ClinVar's aggregate classification.

ITMI
No classification provided. Condition: AllHighlyPenetrant. Last evaluated: 2013-09-19. Review status: no classification provided. Collection method: reference population. Allele origin: germline. Not counted in ClinVar's aggregate classification.
Comment: Please see associated publication for description of ethnicities

Breast Cancer Information Core (BIC) (BRCA2)
Classification: Uncertain significance for Breast-ovarian cancer, familial 2. Last evaluated: 2002-05-29. Review status: no assertion criteria provided. Collection method: clinical testing. Allele origin: germline, unknown. Affected: yes. Observed: 73 variant alleles. Not counted in ClinVar's aggregate classification.

Clinical Genetics Laboratory, Department of Pathology, Netherlands Cancer Institute
Classification: Benign. Review status: no assertion criteria provided. Collection method: clinical testing. Allele origin: germline. Affected: yes. Study: VKGL Data-share Consensus. Not counted in ClinVar's aggregate classification.

Department of Pathology and Laboratory Medicine, Sinai Health System
Classification: Benign for Malignant tumor of breast. Review status: no assertion criteria provided. Collection method: clinical testing. Allele origin: unknown. Affected: yes. Observed: 1 variant allele. Study: The Canadian Open Genetics Repository (COGR). Not counted in ClinVar's aggregate classification.
Comment: The BRCA2 p.Val3244Ile variant was identified in the literature in 5/7922 proband chromosomes (frequency: 0.001) from individuals with breast cancer; however, no control chromosomes were tested to establish the frequency of the variant in the general population (Borg 2010, Caux-Moncoutier 2011; Haffty 2009). The variant was also identified in the BIC database (73X with unknown clinical importance) and in UMD (28X as an unclassified variant) where it was listed to co-occur with a pathogenic mutation in BRCA1 (c.2551G>T (p.Glu851X)), increasing the likelihood that this variant may not have clinical importance. The p.Val3244 residue is not conserved in mammals, and the variant amino acid Isoleucine (Ile) is present in macaque at this position, increasing the likelihood that an alteration to this residue may not have functional significance. Computational analyses (PolyPhen-2, SIFT, AlignGVGD, BLOSUM) do not predict any effect on the protein function; however, this information is not predictive enough to rule out pathogenicity. The variant is listed in dbSNP as coming from a "clinical source" (ID#: rs11571831) with a minor allele frequency of 0.006 (1000 Genomes). It was also identified in the NHLBI Exome Sequencing Project with a frequency of 0.025 in African American alleles, and in several HapMap populations including HapMap-YRI (frequency: 0.032), HapMap-JPT (frequency: 0.03) and HapMap-CEU (frequency: 0.033), increasing the likelihood that this is a low frequency benign polymorphism in certain populations of origin. In summary, based on the above information, this variant meets our laboratory's criteria to be classified as benign.

Genome Diagnostics Laboratory, University Medical Center Utrecht
Classification: Benign. Review status: no assertion criteria provided. Collection method: clinical testing. Allele origin: germline. Affected: yes. Study: VKGL Data-share Consensus. Not counted in ClinVar's aggregate classification.

Joint Genome Diagnostic Labs from Nijmegen and Maastricht, Radboudumc and MUMC+
Classification: Benign. Review status: no assertion criteria provided. Collection method: clinical testing. Allele origin: germline. Affected: yes. Study: VKGL Data-share Consensus. Not counted in ClinVar's aggregate classification.

Literature cited by the submitters: DOI 10.3389/fgene.2022.834265 (cited by National Health Laboratory Service, Universitas Academic Hospital and University of the Free State); PubMed 36329109 (cited by Genetics Program, Instituto Nacional de Cancer); PubMed 20104584 (cited by Counsyl); PubMed 24728327 (cited by ITMI).